The following is an entry in ClinVar:

NM_002894.3(RBBP8):c.1351G>A (p.Glu451Lys)

Gene: RBBP8 (RB binding protein 8, endonuclease; plus strand). Cytogenetic location: 18q11.2.
Variant type: single nucleotide variant.
Coding change: c.1351G>A on transcript NM_002894.3 (MANE Select); coding-DNA position 1351, G replaced by A.
Protein change: p.Glu451Lys; replaces glutamic acid 451 with lysine.
Molecular consequence: missense variant.
Genome position (GRCh38, 1-based): chr18:22,993,178, G>A. VCF-style: chr18-22993178-G-A. GRCh37 (hg19) VCF-style: chr18-20573141-G-A.
Other names: c.1351G>A, p.Glu451Lys (NM_203291.2, NM_203292.2); short protein forms E451K.
Identifiers: ClinVar variation 4863048 (VCV004863048.1).

ClinVar aggregate classification (germline): Uncertain significance (1 of 4 stars; one submission).

Conditions:
Inborn genetic diseases. Identifiers: MedGen C0950123, MeSH D030342.

gnomAD v4.1: 3 of 1,614,114 alleles (0.00019%); highest among the groups gnomAD compares: Admixed American, 0.005%; no homozygotes.

Submission:

Ambry Genetics
Classification: Uncertain significance for Inborn genetic diseases. Last evaluated: 2026-05-20. Review status: criteria provided, single submitter. Criteria: Ambry Variant Classification Scheme 2023. Collection method: clinical testing. Allele origin: germline.
Comment: The c.1351G>A (p.E451K) alteration is located in exon 11 (coding exon 10) of the RBBP8 gene. This alteration results from a G to A substitution at nucleotide position 1351, causing the glutamic acid (E) at amino acid position 451 to be replaced by a lysine (K). Based on data from gnomAD, the A allele has an overall frequency of <0.001% (1/250376) total alleles studied. The highest observed frequency was 0.003% (1/34556) of Latino alleles. Based on insufficient or conflicting evidence, the clinical significance of this alteration remains unclear.